The following is an entry in ClinVar:

NM_004618.5(TOP3A):c.2477A>G (p.Lys826Arg)

Gene: TOP3A (DNA topoisomerase III alpha; minus strand). Cytogenetic location: 17p11.2.
Variant type: single nucleotide variant.
Coding change: c.2477A>G on transcript NM_004618.5 (MANE Select); coding-DNA position 2477, A replaced by G.
Protein change: p.Lys826Arg; replaces lysine 826 with arginine.
Molecular consequence: missense variant.
Genome position (GRCh38, 1-based): chr17:18,278,025, T>C on the plus strand (A>G on the coding strand, the complement: TOP3A is on the minus strand). VCF-style: chr17-18278025-T-C. GRCh37 (hg19) VCF-style: chr17-18181339-T-C.
Other names: c.2192A>G, p.Lys731Arg (NM_001320759.2); short protein forms K731R, K826R.
Identifiers: ClinVar variation 2984772 (VCV002984772.3), dbSNP rs1979501606, ClinGen allele CA398624040.
Genomic context (GRCh38, chr17:18,278,025, plus strand): 5'-AAGAAGTTGCAGCTACCTCCGTTGCACTTAAAGAACTGCCGGCCCCGGTTGGGGCCCTCC[T>C]TACGGACAGTGAGCAGCACAGCCTCCTGGCCACAGTTGCAGGTCACAGAATTGCTTTCAC-3'
Protein context (NP_004609.1, residues 816-836): GQEAVLLTVR[Lys826Arg]EGPNRGRQFF

ClinVar aggregate classification (germline): Uncertain significance (1 of 4 stars; one submission).

Allele frequency attached by ClinVar (database versions not stated): gnomAD exomes below 0.00001; TOPMed 0.00001.
gnomAD v4.1: 2 of 1,614,178 alleles (0.00012%); highest among the groups gnomAD compares: Admixed American, 0.0033%; no homozygotes.

Submission:

Labcorp Genetics (formerly Invitae), Labcorp
Classification: Uncertain significance. Last evaluated: 2023-09-13. Review status: criteria provided, single submitter. Criteria: Invitae Variant Classification Sherloc (09022015). Collection method: clinical testing. Allele origin: germline.
Comment: In summary, the available evidence is currently insufficient to determine the role of this variant in disease. Therefore, it has been classified as a Variant of Uncertain Significance. An algorithm developed to predict the effect of missense changes on protein structure and function (PolyPhen-2) suggests that this variant is likely to be disruptive. This variant has not been reported in the literature in individuals affected with TOP3A-related conditions. This variant is not present in population databases (gnomAD no frequency). This sequence change replaces lysine, which is basic and polar, with arginine, which is basic and polar, at codon 826 of the TOP3A protein (p.Lys826Arg).